The following is an entry in ClinVar:

ClinVar aggregate classification (germline): Uncertain significance (1 of 4 stars; one submission).

Conditions:
Inborn genetic diseases. Identifiers: MedGen C0950123, MeSH D030342.

Submission:

Ambry Genetics
Classification: Uncertain significance for Inborn genetic diseases. Last evaluated: 2024-09-02. Review status: criteria provided, single submitter. Criteria: Ambry Variant Classification Scheme 2023. Collection method: clinical testing. Allele origin: germline.
Comment: The p.D694H variant (also known as c.2080G>C), located in coding exon 10 of the ATR gene, results from a G to C substitution at nucleotide position 2080. The aspartic acid at codon 694 is replaced by histidine, an amino acid with similar properties. This amino acid position is conserved. In addition, this alteration is predicted to be tolerated by in silico analysis. Since supporting evidence is limited at this time, the clinical significance of this alteration remains unclear.

NM_001184.4(ATR):c.2080G>C (p.Asp694His)

Gene: ATR (ATR checkpoint kinase; minus strand). Cytogenetic location: 3q23.
Variant type: single nucleotide variant.
Coding change: c.2080G>C on transcript NM_001184.4 (MANE Select); coding-DNA position 2080, G replaced by C.
Protein change: p.Asp694His; replaces aspartic acid 694 with histidine.
Molecular consequence: missense variant.
Genome position (GRCh38, 1-based): chr3:142,556,138, C>G on the plus strand (G>C on the coding strand, the complement: ATR is on the minus strand). VCF-style: chr3-142556138-C-G. GRCh37 (hg19) VCF-style: chr3-142274980-C-G.
Other names: c.1888G>C, p.Asp630His (NM_001354579.2); short protein forms D630H, D694H.
Identifiers: ClinVar variation 1785559 (VCV001785559.3), dbSNP rs1212603214, ClinGen allele CA354819045.
Genomic context (GRCh38, chr3:142,556,138, plus strand): 5'-GTTGACCAAGTATAGAAGCAAATTCTTTCTTGACAATGTCAGAATCATCTTTGACTTTAT[C>G]TCTGGGGAAAAAAAAGAAAAAGTACTAAACTTTCTTGCCTAATTTTGTGGTCTAAATAGT-3'
Protein context (NP_001175.2, residues 684-704): SCNRVPKILI[Asp694His]KVKDDSDIVK